The following is an entry in ClinVar:

ClinVar aggregate classification (germline): Benign. Review status: criteria provided, multiple submitters, no conflicts (2 of 4 stars). 2 submissions from 2 submitters: Benign (2). Last evaluated 2018-06-16.

Allele frequency attached by ClinVar (database versions not stated): 1000 Genomes Project 0.06370; 1000 Genomes Project 30x 0.06402; TOPMed 0.07493; gnomAD 0.07979; ExAC 0.08416; gnomAD exomes 0.08619.
gnomAD v4.1: 83,845 of 810,752 alleles (10%); highest among the groups gnomAD compares: Admixed American, 15%; 3,385 homozygotes.

Submissions (2):

GeneDx
Classification: Benign. Last evaluated: 2018-06-16. Review status: criteria provided, single submitter. Criteria: GeneDx Variant Classification (06012015). Collection method: clinical testing. Allele origin: germline. Affected: yes.
Comment: This variant is considered likely benign or benign based on one or more of the following criteria: it is a conservative change, it occurs at a poorly conserved position in the protein, it is predicted to be benign by multiple in silico algorithms, and/or has population frequency not consistent with disease.

Breakthrough Genomics
Classification: Benign. Review status: criteria provided, single submitter. Criteria: ACMG Guidelines, 2015. Collection method: not provided. Allele origin: germline. Inheritance: Autosomal recessive inheritance. Affected: yes.

NM_002103.5(GYS1):c.119-72G>A

Gene: GYS1 (glycogen synthase 1; minus strand). Cytogenetic location: 19q13.33.
Variant type: single nucleotide variant.
Coding change: c.119-72G>A on transcript NM_002103.5 (MANE Select); 72 bases into the intron before coding-DNA position 119, G replaced by A.
Molecular consequence: intron variant.
Genome position (GRCh38, 1-based): chr19:48,991,555, C>T on the plus strand (G>A on the coding strand, the complement: GYS1 is on the minus strand). VCF-style: chr19-48991555-C-T. GRCh37 (hg19) VCF-style: chr19-49494812-C-T.
Other names: c.119-72G>A (NM_001161587.2).
Identifiers: ClinVar variation 676264 (VCV000676264.2), dbSNP rs2303049, ClinGen allele CA9563450.